The following is an entry in ClinVar:

NM_004304.5(ALK):c.4441T>G (p.Ser1481Ala)

Gene: ALK (ALK receptor tyrosine kinase; minus strand). Cytogenetic location: 2p23.2.
Variant type: single nucleotide variant.
Coding change: c.4441T>G on transcript NM_004304.5 (MANE Select); coding-DNA position 4441, T replaced by G.
Protein change: p.Ser1481Ala; replaces serine 1481 with alanine.
Molecular consequence: missense variant.
Genome position (GRCh38, 1-based): chr2:29,193,646, A>C on the plus strand (T>G on the coding strand, the complement: ALK is on the minus strand). VCF-style: chr2-29193646-A-C. GRCh37 (hg19) VCF-style: chr2-29416512-A-C.
Other names: c.1237T>G, p.Ser413Ala (NM_001353765.2); short protein forms S413A, S1481A.
Identifiers: ClinVar variation 1995447 (VCV001995447.4), dbSNP rs2148138322, ClinGen allele CA346462079.

ClinVar aggregate classification (germline): Uncertain significance (1 of 4 stars; one submission).

Conditions:
Neuroblastoma, susceptibility to, 3. Also called: ALK-Related Neuroblastic Tumor Susceptibility. Identifiers: Orphanet 635, MedGen C2751681, MONDO:0013083, OMIM 613014.

Submission:

Labcorp Genetics (formerly Invitae), Labcorp
Classification: Uncertain significance for Neuroblastoma, susceptibility to, 3. Last evaluated: 2022-05-17. Review status: criteria provided, single submitter. Criteria: Invitae Variant Classification Sherloc (09022015). Collection method: clinical testing. Allele origin: germline.
Comment: In summary, the available evidence is currently insufficient to determine the role of this variant in disease. Therefore, it has been classified as a Variant of Uncertain Significance. Algorithms developed to predict the effect of missense changes on protein structure and function output the following: SIFT: "Tolerated"; PolyPhen-2: "Benign"; Align-GVGD: "Class C0". The alanine amino acid residue is found in multiple mammalian species, which suggests that this missense change does not adversely affect protein function. This variant has not been reported in the literature in individuals affected with ALK-related conditions. This variant is not present in population databases (gnomAD no frequency). This sequence change replaces serine, which is neutral and polar, with alanine, which is neutral and non-polar, at codon 1481 of the ALK protein (p.Ser1481Ala).